The following is an entry in ClinVar:

NM_001854.4(COL11A1):c.2610G>A (p.Arg870=)

Gene: COL11A1 (collagen type XI alpha 1 chain; minus strand). Cytogenetic location: 1p21.1.
Variant type: single nucleotide variant.
Coding change: c.2610G>A on transcript NM_001854.4 (MANE Select); coding-DNA position 2610, G replaced by A.
Protein change: p.Arg870=; no amino-acid change (arginine 870 retained).
Molecular consequence: synonymous variant. On other transcripts: non-coding transcript variant (1).
Genome position (GRCh38, 1-based): chr1:102,979,382, C>T on the plus strand (G>A on the coding strand, the complement: COL11A1 is on the minus strand). VCF-style: chr1-102979382-C-T. GRCh37 (hg19) VCF-style: chr1-103444938-C-T.
Other names: c.2493G>A, p.Arg831= (NM_001190709.2); c.2646G>A, p.Arg882= (NM_080629.3); c.2262G>A, p.Arg754= (NM_080630.4).
Identifiers: ClinVar variation 4734857 (VCV004734857.1).

ClinVar aggregate classification (germline): Uncertain significance (1 of 4 stars; one submission).

Submission:

Labcorp Genetics (formerly Invitae), Labcorp
Classification: Uncertain significance. Last evaluated: 2026-01-14. Review status: criteria provided, single submitter. Criteria: Invitae Variant Classification Sherloc (09022015). Collection method: clinical testing. Allele origin: germline.
Comment: This sequence change affects codon 870 of the COL11A1 mRNA. It is a 'silent' change, meaning that it does not change the encoded amino acid sequence of the COL11A1 protein. This variant also falls at the last nucleotide of exon 32, which is part of the consensus splice site for this exon. This variant is not present in population databases (gnomAD no frequency). This variant has not been reported in the literature in individuals affected with COL11A1-related conditions. Experimental studies and prediction algorithms are not available or were not evaluated, and the functional significance of this variant is currently unknown. Variants that disrupt the consensus splice site are a relatively common cause of aberrant splicing (PMID: 17576681, 9536098). Algorithms developed to predict the effect of sequence changes on RNA splicing suggest that this variant may disrupt the consensus splice site. In summary, the available evidence is currently insufficient to determine the role of this variant in disease. Therefore, it has been classified as a Variant of Uncertain Significance.

Literature cited by the submitters: PubMed 17576681; PubMed 9536098.